The following is an entry in ClinVar:

NM_053025.4(MYLK):c.146C>A (p.Thr49Asn)

Gene: MYLK (myosin light chain kinase; minus strand). Cytogenetic location: 3q21.1.
Variant type: single nucleotide variant.
Coding change: c.146C>A on transcript NM_053025.4 (MANE Select); coding-DNA position 146, C replaced by A.
Protein change: p.Thr49Asn; replaces threonine 49 with asparagine.
Molecular consequence: missense variant. On other transcripts: 5 prime UTR variant (1).
Genome position (GRCh38, 1-based): chr3:123,793,696, G>T on the plus strand (C>A on the coding strand, the complement: MYLK is on the minus strand). VCF-style: chr3-123793696-G-T. GRCh37 (hg19) VCF-style: chr3-123512543-G-T.
Other names: c.-175C>A (NM_001321309.2); c.146C>A, p.Thr49Asn (NM_053026.4, NM_053027.4, NM_053028.4); short protein forms T49N.
Identifiers: ClinVar variation 5025211 (VCV005025211.1).

ClinVar aggregate classification (germline): Uncertain significance (1 of 4 stars; one submission).

Conditions:
Familial thoracic aortic aneurysm and aortic dissection (TAAD). Also called: Thoracic aortic aneurysms and dissections. Identifiers: Orphanet 91387, MedGen C4707243, MONDO:0019625.

Submission:

Ambry Genetics
Classification: Uncertain significance for Familial thoracic aortic aneurysm and aortic dissection. Last evaluated: 2026-08-16. Review status: criteria provided, single submitter. Criteria: Ambry Variant Classification Scheme 2023. Collection method: clinical testing. Allele origin: germline.
Comment: The p.T49N variant (also known as c.146C>A), located in coding exon 1 of the MYLK gene, results from a C to A substitution at nucleotide position 146. The threonine at codon 49 is replaced by asparagine, an amino acid with similar properties. This amino acid position is conserved. In addition, this alteration is predicted to be tolerated by in silico analysis. Based on the available evidence, the clinical significance of this variant remains unclear.